The following is an entry in ClinVar:

ClinVar aggregate classification (germline): Pathogenic (1 of 4 stars; one submission).

Conditions:
Usher syndrome type 2A. Also called: USHER SYNDROME, TYPE IIA; RETINAL DISEASE IN USHER SYNDROME TYPE IIA, MODIFIER OF. Identifiers: Orphanet 231178, Orphanet 886, MedGen C1848634, MONDO:0010169, OMIM 276901.

Submission:

Institute of Human Genetics, University of Leipzig Medical Center
Classification: Pathogenic for Usher syndrome type 2A. Last evaluated: 2024-04-09. Review status: criteria provided, single submitter. Criteria: ACMG Guidelines, 2015. Collection method: clinical testing. Allele origin: maternal. Inheritance: Autosomal recessive inheritance. Affected: yes.
Comment: Criteria applied: PVS1,PM2,PM3

NM_206933.4(USH2A):c.6223del (p.Trp2075fs)

Gene: USH2A (usherin; minus strand). Cytogenetic location: 1q41.
Variant type: Deletion.
Coding change: c.6223del on transcript NM_206933.4 (MANE Select); coding-DNA position 6223, one base deleted (T; older notation c.6223delT).
Protein change: p.Trp2075fs; shifts the reading frame from tryptophan 2075.
Molecular consequence: frameshift variant.
Genome position (GRCh38, 1-based): chr1:216,046,533, A deleted on the plus strand (T on the coding strand, the reverse complement: USH2A is on the minus strand). VCF-style (leftmost placement, unchanged base first): chr1-216046532-CA-C. GRCh37 (hg19) VCF-style: chr1-216219874-CA-C.
Other names: short protein forms W2075fs.
Identifiers: ClinVar variation 3358943 (VCV003358943.4).